The following is an entry in ClinVar:

NM_004385.5(VCAN):c.9950T>C (p.Ile3317Thr)

Gene: VCAN (versican; plus strand). Cytogenetic location: 5q14.3.
Variant type: single nucleotide variant.
Coding change: c.9950T>C on transcript NM_004385.5 (MANE Select); coding-DNA position 9950, T replaced by C.
Protein change: p.Ile3317Thr; replaces isoleucine 3317 with threonine.
Molecular consequence: missense variant.
Genome position (GRCh38, 1-based): chr5:83,580,049, T>C. VCF-style: chr5-83580049-T-C. GRCh37 (hg19) VCF-style: chr5-82875868-T-C.
Other names: c.1727T>C, p.Ile576Thr (NM_001126336.3); c.6989T>C, p.Ile2330Thr (NM_001164097.2); c.4688T>C, p.Ile1563Thr (NM_001164098.2); short protein forms I3317T, I576T, I1563T, I2330T.
Identifiers: ClinVar variation 2758328 (VCV002758328.3), dbSNP rs2479175936, ClinGen allele CA360300938.

ClinVar aggregate classification (germline): Uncertain significance (1 of 4 stars; one submission).

Submission:

Labcorp Genetics (formerly Invitae), Labcorp
Classification: Uncertain significance. Last evaluated: 2023-09-05. Review status: criteria provided, single submitter. Criteria: Invitae Variant Classification Sherloc (09022015). Collection method: clinical testing. Allele origin: germline.
Comment: In summary, the available evidence is currently insufficient to determine the role of this variant in disease. Therefore, it has been classified as a Variant of Uncertain Significance. An algorithm developed to predict the effect of missense changes on protein structure and function (PolyPhen-2) suggests that this variant is likely to be disruptive. This variant has not been reported in the literature in individuals affected with VCAN-related conditions. This variant is not present in population databases (gnomAD no frequency). This sequence change replaces isoleucine, which is neutral and non-polar, with threonine, which is neutral and polar, at codon 3317 of the VCAN protein (p.Ile3317Thr).